The following is an entry in ClinVar:

ClinVar aggregate classification (germline): Benign (1 of 4 stars; one submission).

Allele frequency attached by ClinVar (database versions not stated): gnomAD 0.06880 and 0.07357; TOPMed 0.07533; 1000 Genomes Project 0.07548; 1000 Genomes Project 30x 0.08057.
gnomAD v4.1: 10,362 of 152,202 alleles (6.8%); highest among the groups gnomAD compares: African/African-American, 22%; 998 homozygotes.

Submission:

GeneDx
Classification: Benign. Last evaluated: 2018-06-14. Review status: criteria provided, single submitter. Criteria: GeneDx Variant Classification (06012015). Collection method: clinical testing. Allele origin: germline. Affected: yes.
Comment: This variant is considered likely benign or benign based on one or more of the following criteria: it is a conservative change, it occurs at a poorly conserved position in the protein, it is predicted to be benign by multiple in silico algorithms, and/or has population frequency not consistent with disease.

NM_000090.4(COL3A1):c.4255-266G>A

Gene: COL3A1 (collagen type III alpha 1 chain; plus strand). Cytogenetic location: 2q32.2.
Variant type: single nucleotide variant.
Coding change: c.4255-266G>A on transcript NM_000090.4 (MANE Select); 266 bases into the intron before coding-DNA position 4255, G replaced by A.
Molecular consequence: intron variant.
Genome position (GRCh38, 1-based): chr2:189,011,362, G>A. VCF-style: chr2-189011362-G-A. GRCh37 (hg19) VCF-style: chr2-189876088-G-A.
Identifiers: ClinVar variation 669853 (VCV000669853.1), dbSNP rs10208311, ClinGen allele CA11291759.